The following is an entry in ClinVar:

NM_001130823.3(DNMT1):c.2645A>G (p.Gln882Arg)

Gene: DNMT1 (DNA methyltransferase 1; minus strand). Cytogenetic location: 19p13.2.
Variant type: single nucleotide variant.
Coding change: c.2645A>G on transcript NM_001130823.3 (MANE Select); coding-DNA position 2645, A replaced by G.
Protein change: p.Gln882Arg; replaces glutamine 882 with arginine.
Molecular consequence: missense variant.
Genome position (GRCh38, 1-based): chr19:10,148,959, T>C on the plus strand (A>G on the coding strand, the complement: DNMT1 is on the minus strand). VCF-style: chr19-10148959-T-C. GRCh37 (hg19) VCF-style: chr19-10259635-T-C.
Other names: c.2597A>G, p.Gln866Arg (NM_001318730.2, NM_001379.4); c.2282A>G, p.Gln761Arg (NM_001318731.2); short protein forms Q761R, Q866R, Q882R.
Identifiers: ClinVar variation 839562 (VCV000839562.9), dbSNP rs750081202, ClinGen allele CA9187982.

ClinVar aggregate classification (germline): Uncertain significance (1 of 4 stars; one submission).

Conditions:
Hereditary sensory neuropathy-deafness-dementia syndrome. Also called: Hereditary sensory neuropathy type IE; NEUROPATHY, HEREDITARY SENSORY, WITH HEARING LOSS AND DEMENTIA; HSN IE; Hereditary Sensory and Autonomic Neuropathy Type 1E (HSAN1E). Identifiers: Orphanet 456318, MedGen C3279885, MONDO:0013584, OMIM 614116.

Allele frequency attached by ClinVar (database versions not stated): gnomAD 0.00001; gnomAD exomes 0.00001; ExAC 0.00002; TOPMed 0.00002.
gnomAD v4.1: 4 of 1,614,054 alleles (0.00025%); highest among the groups gnomAD compares: Admixed American, 0.0067%; no homozygotes.

Submission:

Labcorp Genetics (formerly Invitae), Labcorp
Classification: Uncertain significance for Hereditary sensory neuropathy-deafness-dementia syndrome. Last evaluated: 2025-02-09. Review status: criteria provided, single submitter. Criteria: Invitae Variant Classification Sherloc (09022015). Collection method: clinical testing. Allele origin: germline.
Comment: This sequence change replaces glutamine, which is neutral and polar, with arginine, which is basic and polar, at codon 882 of the DNMT1 protein (p.Gln882Arg). This variant is present in population databases (rs750081202, gnomAD 0.006%). This variant has not been reported in the literature in individuals affected with DNMT1-related conditions. ClinVar contains an entry for this variant (Variation ID: 839562). Invitae Evidence Modeling of protein sequence and biophysical properties (such as structural, functional, and spatial information, amino acid conservation, physicochemical variation, residue mobility, and thermodynamic stability) indicates that this missense variant is not expected to disrupt DNMT1 protein function with a negative predictive value of 80%. In summary, the available evidence is currently insufficient to determine the role of this variant in disease. Therefore, it has been classified as a Variant of Uncertain Significance.